The following is an entry in ClinVar:

ClinVar aggregate classification (germline): Uncertain significance (1 of 4 stars; one submission).

Submission:

GeneDx
Classification: Uncertain significance. Last evaluated: 2023-11-09. Review status: criteria provided, single submitter. Criteria: GeneDx Variant Classification Process June 2021. Collection method: clinical testing. Allele origin: germline. Affected: yes.
Comment: Not observed at significant frequency in large population cohorts (gnomAD); In silico analysis supports that this missense variant does not alter protein structure/function; Has not been previously published as pathogenic or benign to our knowledge

NM_001384125.1(BLTP1):c.5969T>C (p.Met1990Thr)

Gene: BLTP1 (bridge-like lipid transfer protein family member 1; plus strand). Cytogenetic location: 4q27.
Variant type: single nucleotide variant.
Coding change: c.5969T>C on transcript NM_001384125.1 (MANE Select); coding-DNA position 5969, T replaced by C.
Protein change: p.Met1990Thr; replaces methionine 1990 with threonine.
Molecular consequence: missense variant.
Genome position (GRCh38, 1-based): chr4:122,254,241, T>C. VCF-style: chr4-122254241-T-C. GRCh37 (hg19) VCF-style: chr4-123175396-T-C.
Other names: c.5969T>C, p.Met1990Thr (NM_015312.4); short protein forms M1990T.
Identifiers: ClinVar variation 3364109 (VCV003364109.1).